The following is an entry in ClinVar:

ClinVar aggregate classification (germline): Uncertain significance (1 of 4 stars; one submission).

Conditions:
Neurofibromatosis, type 2 (SWNV). Also called: BILATERAL ACOUSTIC NEUROFIBROMATOSIS; SCHWANNOMATOSIS, VESTIBULAR; NF2-Related Schwannomatosis. Identifiers: Orphanet 637, MedGen C0027832, MONDO:0007039, OMIM 101000. Disease mechanism: loss of function.

Submission:

Labcorp Genetics (formerly Invitae), Labcorp
Classification: Uncertain significance for Neurofibromatosis, type 2. Last evaluated: 2022-08-16. Review status: criteria provided, single submitter. Criteria: Invitae Variant Classification Sherloc (09022015). Collection method: clinical testing. Allele origin: germline.
Comment: Algorithms developed to predict the effect of missense changes on protein structure and function are either unavailable or do not agree on the potential impact of this missense change (SIFT: "Tolerated"; PolyPhen-2: "Probably Damaging"; Align-GVGD: "Class C0"). In summary, the available evidence is currently insufficient to determine the role of this variant in disease. Therefore, it has been classified as a Variant of Uncertain Significance. ClinVar contains an entry for this variant (Variation ID: 841718). This variant has not been reported in the literature in individuals affected with NF2-related conditions. This variant is not present in population databases (gnomAD no frequency). This sequence change replaces threonine, which is neutral and polar, with isoleucine, which is neutral and non-polar, at codon 189 of the NF2 protein (p.Thr189Ile).

NM_000268.4(NF2):c.566C>T (p.Thr189Ile)

Gene: NF2 (NF2, moesin-ezrin-radixin like (MERLIN) tumor suppressor; plus strand). Cytogenetic location: 22q12.2.
Variant type: single nucleotide variant.
Coding change: c.566C>T on transcript NM_000268.4 (MANE Select); coding-DNA position 566, C replaced by T.
Protein change: p.Thr189Ile; replaces threonine 189 with isoleucine.
Molecular consequence: missense variant. On other transcripts: non-coding transcript variant (1), intron variant (1).
Genome position (GRCh38, 1-based): chr22:29,655,643, C>T. VCF-style: chr22-29655643-C-T. GRCh37 (hg19) VCF-style: chr22-30051632-C-T.
Other names: c.566C>T, p.Thr189Ile (NM_016418.5, NM_181825.3, NM_181832.3); c.440C>T, p.Thr147Ile (NM_181828.3); c.443C>T, p.Thr148Ile (NM_181829.3); c.317C>T, p.Thr106Ile (NM_181830.3, NM_181831.3); c.447+13358C>T (NM_181833.3); short protein forms T147I, T106I, T148I, T189I.
Identifiers: ClinVar variation 841718 (VCV000841718.10), dbSNP rs2066280562, ClinGen allele CA411142631.
Genomic context (GRCh38, chr22:29,655,643, plus strand): 5'-TTTTTTGGTAGGTAATAAATCTGTATCAGATGACTCCGGAAATGTGGGAGGAGAGAATTA[C>T]TGCTTGGTACGCAGAGCACCGAGGCCGAGCCAGGTGAGGCCCATTCATTGTTGGTTTACA-3'
Protein context (NP_000259.1, residues 179-199): MTPEMWEERI[Thr189Ile]AWYAEHRGRA